The following is an entry in ClinVar:

ClinVar aggregate classification (germline): Uncertain significance (1 of 4 stars; one submission).

Conditions:
Joubert syndrome. Also called: JOUBERT-BOLTSHAUSER SYNDROME; Familial aplasia of the vermis. Identifiers: Orphanet 475, MedGen C5979921, MONDO:0018772.
Meckel-Gruber syndrome. Also called: DYSENCEPHALIA SPLANCHNOCYSTICA; GRUBER SYNDROME; Dysencephalia splachnocystica. Identifiers: Orphanet 564, MedGen C0265215, MONDO:0018921.

gnomAD v4.1: 23 of 1,598,652 alleles (0.0014%); highest among the groups gnomAD compares: South Asian, 0.023%; no homozygotes.

Submission:

Labcorp Genetics (formerly Invitae), Labcorp
Classification: Uncertain significance for Joubert syndrome; Meckel-Gruber syndrome. Last evaluated: 2022-04-19. Review status: criteria provided, single submitter. Criteria: Invitae Variant Classification Sherloc (09022015). Collection method: clinical testing. Allele origin: germline.
Comment: This sequence change replaces serine, which is neutral and polar, with threonine, which is neutral and polar, at codon 1123 of the CC2D2A protein (p.Ser1123Thr). This variant is present in population databases (rs377404804, gnomAD 0.03%). This variant has not been reported in the literature in individuals affected with CC2D2A-related conditions. Algorithms developed to predict the effect of missense changes on protein structure and function (SIFT, PolyPhen-2, Align-GVGD) all suggest that this variant is likely to be tolerated. In summary, the available evidence is currently insufficient to determine the role of this variant in disease. Therefore, it has been classified as a Variant of Uncertain Significance.

NM_001378615.1(CC2D2A):c.3368G>C (p.Ser1123Thr)

Genes: FBXL5 (F-box and leucine rich repeat protein 5; minus strand), CC2D2A (coiled-coil and C2 domain containing 2A; plus strand). Cytogenetic location: 4p15.32.
Variant type: single nucleotide variant.
Coding change: c.3368G>C on transcript NM_001378615.1 (MANE Select); coding-DNA position 3368, G replaced by C.
Protein change: p.Ser1123Thr; replaces serine 1123 with threonine.
Molecular consequence: missense variant.
Genome position (GRCh38, 1-based): chr4:15,567,756, G>C. VCF-style: chr4-15567756-G-C. GRCh37 (hg19) VCF-style: chr4-15569379-G-C.
Other names: c.3368G>C, p.Ser1123Thr (NM_001080522.2); c.3221G>C, p.Ser1074Thr (NM_001378617.1); short protein forms S1074T, S1123T.
Identifiers: ClinVar variation 2050823 (VCV002050823.1), dbSNP rs377404804, ClinGen allele CA2864148.